The following is an entry in ClinVar:

ClinVar aggregate classification (germline): Uncertain significance (1 of 4 stars; one submission).

Conditions:
Cardiovascular phenotype. Identifiers: MedGen CN230736.

Submission:

Ambry Genetics
Classification: Uncertain significance for Cardiovascular phenotype. Last evaluated: 2020-11-25. Review status: criteria provided, single submitter. Criteria: Ambry Variant Classification Scheme 2023. Collection method: clinical testing. Allele origin: germline.
Comment: The p.P872T variant (also known as c.2614C>A), located in coding exon 11 of the KCNH2 gene, results from a C to A substitution at nucleotide position 2614. The proline at codon 872 is replaced by threonine, an amino acid with highly similar properties. This amino acid position is highly conserved in available vertebrate species. In addition, this alteration is predicted to be deleterious by in silico analysis. Since supporting evidence is limited at this time, the clinical significance of this alteration remains unclear.

NM_000238.4(KCNH2):c.2614C>A (p.Pro872Thr)

Gene: KCNH2 (potassium voltage-gated channel subfamily H member 2; minus strand). Cytogenetic location: 7q36.1.
Variant type: single nucleotide variant.
Coding change: c.2614C>A on transcript NM_000238.4 (MANE Select); coding-DNA position 2614, C replaced by A.
Protein change: p.Pro872Thr; replaces proline 872 with threonine.
Molecular consequence: missense variant.
Genome position (GRCh38, 1-based): chr7:150,948,522, G>T on the plus strand (C>A on the coding strand, the complement: KCNH2 is on the minus strand). VCF-style: chr7-150948522-G-T. GRCh37 (hg19) VCF-style: chr7-150645610-G-T.
Other names: c.2326C>A, p.Pro776Thr (NM_001406753.1); c.1594C>A, p.Pro532Thr (NM_172057.3); short protein forms P532T, P776T, P872T.
Identifiers: ClinVar variation 1793840 (VCV001793840.2), dbSNP rs2486012888, ClinGen allele CA369853883.